The following is an entry in ClinVar:

NM_000388.4(CASR):c.21C>G (p.Cys7Trp)

Gene: CASR (calcium sensing receptor; plus strand). Cytogenetic location: 3q21.1.
Variant type: single nucleotide variant.
Coding change: c.21C>G on transcript NM_000388.4 (MANE Select); coding-DNA position 21, C replaced by G.
Protein change: p.Cys7Trp; replaces cysteine 7 with tryptophan.
Molecular consequence: missense variant.
Genome position (GRCh38, 1-based): chr3:122,254,210, C>G. VCF-style: chr3-122254210-C-G. GRCh37 (hg19) VCF-style: chr3-121973057-C-G.
Other names: c.21C>G, p.Cys7Trp (NM_001178065.2); short protein forms C7W.
Identifiers: ClinVar variation 1787584 (VCV001787584.2), dbSNP rs1381043518, ClinGen allele CA354361963.
Genomic context (GRCh38, chr3:122,254,210, plus strand): 5'-CTAGCTGTCTCATCCCTTGCCCTGGAGAGACGGCAGAACCATGGCATTTTATAGCTGCTG[C>G]TGGGTCCTCTTGGCACTCACCTGGCACACCTCTGCCTACGGGCCAGACCAGCGAGCCCAA-3'
Protein context (NP_000379.3, residues 1-17): MAFYSC[Cys7Trp]WVLLALTWHT

ClinVar aggregate classification (germline): Uncertain significance (1 of 4 stars; one submission).

Conditions:
Nephrolithiasis/nephrocalcinosis. Identifiers: MedGen CN580796.

Allele frequency attached by ClinVar (database versions not stated): gnomAD exomes below 0.00001.
gnomAD v4.1: 3 of 1,613,340 alleles (0.00019%); highest among the groups gnomAD compares: South Asian, 0.0033%; no homozygotes.

Submission:

Ambry Genetics
Classification: Uncertain significance for Nephrolithiasis/nephrocalcinosis. Last evaluated: 2019-11-20. Review status: criteria provided, single submitter. Criteria: Ambry Variant Classification Scheme 2023. Collection method: clinical testing. Allele origin: germline.
Comment: The p.C7W variant (also known as c.21C>G), located in coding exon 1 of the CASR gene, results from a C to G substitution at nucleotide position 21. The cysteine at codon 7 is replaced by tryptophan, an amino acid with highly dissimilar properties. This amino acid position is not well conserved in available vertebrate species. In addition, this alteration is predicted to be tolerated by in silico analysis. Since supporting evidence is limited at this time, the clinical significance of this alteration remains unclear.